The following is an entry in ClinVar:

ClinVar aggregate classification (germline): Conflicting classifications of pathogenicity. Review status: criteria provided, conflicting classifications (1 of 4 stars). 4 submissions from 4 submitters: Uncertain significance (3); Likely benign (1). Last evaluated 2026-05-24.

Conditions:
Inborn genetic diseases. Identifiers: MedGen C0950123, MeSH D030342.
FGFR3-related disorder. Also called: FGFR3-related disorders.

Allele frequency attached by ClinVar (database versions not stated): TOPMed 0.00004; gnomAD 0.00007 and 0.00008; gnomAD exomes 0.00013; ExAC 0.00015.
gnomAD v4.1: 197 of 1,612,546 alleles (0.012%); highest among the groups gnomAD compares: Non-Finnish European, 0.015%; no homozygotes.

Submissions (4):

PreventionGenetics, part of Exact Sciences
Classification: Uncertain significance for FGFR3-related condition. Last evaluated: 2026-05-24. Review status: criteria provided, single submitter. Criteria: ACMG Guidelines, 2015. Collection method: clinical testing. Allele origin: germline.
Comment: The FGFR3 c.1753C>T variant is predicted to result in the amino acid substitution p.Pro585Ser. To our knowledge, this variant has not been reported in the literature. This variant is reported in 0.023% of alleles in individuals of European (Non-Finnish) descent in gnomAD. At this time, the clinical significance of this variant is uncertain due to the absence of conclusive functional and genetic evidence.

GeneDx
Classification: Uncertain significance. Last evaluated: 2025-08-14. Review status: criteria provided, single submitter. Criteria: GeneDx Variant Classification Process June 2021. Collection method: clinical testing. Allele origin: germline. Affected: yes.
Comment: In silico analysis supports that this missense variant has a deleterious effect on protein structure/function; Has not been previously published as pathogenic or benign to our knowledge

Labcorp Genetics (formerly Invitae), Labcorp
Classification: Likely benign. Last evaluated: 2025-03-06. Review status: criteria provided, single submitter. Criteria: Invitae Variant Classification Sherloc (09022015). Collection method: clinical testing. Allele origin: germline.

Ambry Genetics
Classification: Uncertain significance for Inborn genetic diseases. Last evaluated: 2021-06-04. Review status: criteria provided, single submitter. Criteria: Ambry Variant Classification Scheme 2023. Collection method: clinical testing. Allele origin: germline.

NM_000142.5(FGFR3):c.1753C>T (p.Pro585Ser)

Gene: FGFR3 (fibroblast growth factor receptor 3; plus strand). Cytogenetic location: 4p16.3.
Variant type: single nucleotide variant.
Coding change: c.1753C>T on transcript NM_000142.5 (MANE Select); coding-DNA position 1753, C replaced by T.
Protein change: p.Pro585Ser; replaces proline 585 with serine.
Molecular consequence: missense variant. On other transcripts: non-coding transcript variant (1).
Genome position (GRCh38, 1-based): chr4:1,805,857, C>T. VCF-style: chr4-1805857-C-T. GRCh37 (hg19) VCF-style: chr4-1807584-C-T.
Other names: c.1759C>T, p.Pro587Ser (NM_001163213.2); c.1756C>T, p.Pro586Ser (NM_001354809.2, NM_001354810.2); c.1417C>T, p.Pro473Ser (NM_022965.4); short protein forms P585S, P587S, P586S, P473S.
Identifiers: ClinVar variation 546201 (VCV000546201.11), dbSNP rs761163163, ClinGen allele CA2810566.